The following is an entry in ClinVar:

NM_003177.7(SYK):c.844G>C (p.Ala282Pro)

Gene: SYK (spleen associated tyrosine kinase; plus strand). Cytogenetic location: 9q22.2.
Variant type: single nucleotide variant.
Coding change: c.844G>C on transcript NM_003177.7 (MANE Select); coding-DNA position 844, G replaced by C.
Protein change: p.Ala282Pro; replaces alanine 282 with proline.
Molecular consequence: missense variant.
Genome position (GRCh38, 1-based): chr9:90,865,095, G>C. VCF-style: chr9-90865095-G-C. GRCh37 (hg19) VCF-style: chr9-93627377-G-C.
Other names: c.844G>C, p.Ala282Pro (NM_001135052.4, NM_001174167.3, NM_001174168.3); short protein forms A282P.
Identifiers: ClinVar variation 4846945 (VCV004846945.1).
Genomic context (GRCh38, chr9:90,865,095, plus strand): 5'-TCTCTCTAACCAGGAAATGTTAATTTTGGAGGCCGTCCACAACTTCCAGGTTCCCATCCT[G>C]CGGTAAGTGTCACTAGGAATACCACTGAATGAGAAGCTGTTGCATATTTCACAAATGAAA-3'
Protein context (NP_003168.2, residues 272-292): GRPQLPGSHP[Ala282Pro]TWSAGGIISR

ClinVar aggregate classification (germline): Uncertain significance (1 of 4 stars; one submission).

Conditions:
Immunodeficiency 82 with systemic inflammation. Identifiers: Orphanet 695807, MedGen C5543581, MONDO:0030308, OMIM 619381.

gnomAD v4.1: 14 of 1,613,838 alleles (0.00087%); highest among the groups gnomAD compares: African/African-American, 0.017%; no homozygotes.

Submission:

Laboratorio de Genetica e Diagnostico Molecular, Hospital Israelita Albert Einstein
Classification: Uncertain significance for Immunodeficiency 82 with systemic inflammation. Last evaluated: 2024-05-14. Review status: criteria provided, single submitter. Criteria: ACMG Guidelines, 2015. Collection method: clinical testing. Allele origin: germline. Affected: yes.
Comment: ACMG classification criteria: PM2 supporting, PP2 supporting, BP4 supporting